The following is an entry in ClinVar:

ClinVar aggregate classification (germline): Uncertain significance (1 of 4 stars; one submission).

gnomAD v4.1: 1 of 1,614,122 alleles (0.000062%); highest among the groups gnomAD compares: Non-Finnish European, 0.000085%; no homozygotes.

Submission:

Ambry Genetics
Classification: Uncertain significance. Last evaluated: 2025-08-25. Review status: criteria provided, single submitter. Criteria: Ambry Variant Classification Scheme 2023. Collection method: clinical testing. Allele origin: germline.
Comment: The p.T1086A variant (also known as c.3256A>G), located in coding exon 1 of the TET2 gene, results from an A to G substitution at nucleotide position 3256. The threonine at codon 1086 is replaced by alanine, an amino acid with similar properties. This amino acid position is conserved. In addition, this alteration is predicted to be tolerated by in silico analysis. Based on the available evidence, the clinical significance of this variant remains unclear.

NM_001127208.3(TET2):c.3256A>G (p.Thr1086Ala)

Genes: TET2 (tet methylcytosine dioxygenase 2; plus strand), TET2-AS1 (TET2 antisense RNA 1; minus strand). Cytogenetic location: 4q24.
Variant type: single nucleotide variant.
Coding change: c.3256A>G on transcript NM_001127208.3 (MANE Select); coding-DNA position 3256, A replaced by G.
Protein change: p.Thr1086Ala; replaces threonine 1086 with alanine.
Molecular consequence: missense variant.
Genome position (GRCh38, 1-based): chr4:105,237,198, A>G. VCF-style: chr4-105237198-A-G. GRCh37 (hg19) VCF-style: chr4-106158355-A-G.
Other names: c.3256A>G, p.Thr1086Ala (NM_017628.4); short protein forms T1086A.
Identifiers: ClinVar variation 4183034 (VCV004183034.1).